The following is an entry in ClinVar:

ClinVar aggregate classification (germline): Pathogenic (0 of 4 stars; one submission).

Conditions:
Fanconi anemia complementation group A (FANCA). Also called: Fanconi anemia, group A; FANCA-Related Fanconi Anemia. Identifiers: Orphanet 84, MedGen C3469521, MONDO:0009215, OMIM 227650.

Submission:

Leiden Open Variation Database
Classification: Pathogenic for Fanconi anemia complementation group A. Last evaluated: 2020-02-28. Review status: no assertion criteria provided. Collection method: curation. Allele origin: germline. Affected: yes.
Comment: Curator: Arleen D. Auerbach. Submitter to LOVD: Arleen D. Auerbach.

NM_000135.4(FANCA):c.2066del (p.Gly689fs)

Gene: FANCA (FA complementation group A; minus strand). Cytogenetic location: 16q24.3.
Variant type: Deletion.
Coding change: c.2066del on transcript NM_000135.4 (MANE Select); coding-DNA position 2066, one base deleted (G; older notation c.2066delG).
Protein change: p.Gly689fs; shifts the reading frame from glycine 689.
Molecular consequence: frameshift variant.
Genome position (GRCh38, 1-based): chr16:89,771,763, C deleted on the plus strand (G on the coding strand, the reverse complement: FANCA is on the minus strand); the first of 3 consecutive C bases (chr16:89,771,763-89,771,765); deleting any one gives the same sequence. VCF-style (leftmost placement, unchanged base first): chr16-89771762-GC-G. GRCh37 (hg19) VCF-style: chr16-89838170-GC-G.
Other names: c.2066del, p.Gly689fs (NM_001286167.3); short protein forms G689fs.
Identifiers: ClinVar variation 974237 (VCV000974237.1), dbSNP rs2039334639, ClinGen allele CA1139665018.